The following is an entry in ClinVar:

ClinVar aggregate classification (germline): Likely pathogenic. Review status: criteria provided, multiple submitters, no conflicts (2 of 4 stars). 3 submissions from 3 submitters: Likely pathogenic (2). 1 of the submissions does not count toward it. Last evaluated 2026-04-28.

Conditions:
Waardenburg syndrome type 1 (WS1). Also called: WAARDENBURG SYNDROME WITH DYSTOPIA CANTHORUM; Waardenburg Syndrome Type I. Identifiers: Orphanet 894, MedGen C1847800, MONDO:0008670, OMIM 193500.
Craniofacial-deafness-hand syndrome (CDHS). Identifiers: Orphanet 1529, MedGen C1852510, MONDO:0007395, OMIM 122880.

Submissions (3):

Wales Gene Park, Division Of Cancer and Genetics, Cardiff University
Classification: Likely pathogenic for Waardenburg syndrome type 1. Last evaluated: 2026-04-28. Review status: criteria provided, single submitter. Criteria: ACGS Best Practice Guidelines for Variant Classification in Rare Disease 2024. Collection method: research. Allele origin: de novo. Inheritance: Autosomal dominant inheritance. Affected: yes. Study: 100,000 Genomes Project (Wales).
Comment: De novo PAX3 missense variant detected by trio genome sequencing. Not in gnomAD (v4.1.1). REVEL score 0.859. Variant previously reported in literature and in ClinVar as pathogenic/likely pathogenic (Accession: VCV000004213.3). Evidence codes: PP3, PM2, PM5, PS2.

GeneDx
Classification: Likely pathogenic. Last evaluated: 2022-11-21. Review status: criteria provided, single submitter. Criteria: GeneDx Variant Classification Process June 2021. Collection method: clinical testing. Allele origin: germline. Affected: yes.
Comment: Identified in a family with craniofacial-deafness-hand syndrome in published literature (Sommer and Bartholomew, 2003); Not observed at significant frequency in large population cohorts (gnomAD); In silico analysis supports that this missense variant has a deleterious effect on protein structure/function; This variant is associated with the following publications: (PMID: 8664898, 6859126, 27013732, 14556253)

OMIM
Classification: Pathogenic for CRANIOFACIAL-DEAFNESS-HAND SYNDROME. Last evaluated: 1996-01-01. Review status: no assertion criteria provided. Collection method: literature only. Allele origin: germline. Not counted in ClinVar's aggregate classification.

Literature cited by the submitters: PubMed 6859126 (cited by Wales Gene Park, Division Of Cancer and Genetics, Cardiff University and OMIM); PubMed 8664898 (cited by Wales Gene Park, Division Of Cancer and Genetics, Cardiff University and OMIM).

NM_181458.4(PAX3):c.141C>G (p.Asn47Lys)

Gene: PAX3 (paired box 3; minus strand). Cytogenetic location: 2q36.1.
Variant type: single nucleotide variant.
Coding change: c.141C>G on transcript NM_181458.4 (MANE Select); coding-DNA position 141, C replaced by G.
Protein change: p.Asn47Lys; replaces asparagine 47 with lysine.
Molecular consequence: missense variant.
Genome position (GRCh38, 1-based): chr2:222,297,158, G>C on the plus strand (C>G on the coding strand, the complement: PAX3 is on the minus strand). VCF-style: chr2-222297158-G-C. GRCh37 (hg19) VCF-style: chr2-223161877-G-C.
Other names: c.141C>G (NM_181457.3); c.141C>G, p.Asn47Lys (NM_000438.6, NM_001127366.3, NM_013942.5 and 4 more transcripts); short protein forms N47K.
Identifiers: ClinVar variation 4213 (VCV000004213.4), dbSNP rs104893652, ClinGen allele CA116692.
Genomic context (GRCh38, chr2:222,297,158, plus strand): 5'-GATGCCGTGGTGGGCCATCTCCACGATCTTGTGGCGGATGTGGTTGGGCAGCGGCCTGCC[G>C]TTGATAAAAACACCGCCGAGCTGGTTGACGCGGCCCTGGCCGAGGGGAGTGGACACTGTG-3'
Protein context (NP_852123.1, residues 37-57): RVNQLGGVFI[Asn47Lys]GRPLPNHIRH